The following is an entry in ClinVar:

NM_004393.6(DAG1):c.2349T>C (p.Leu783=)

Gene: DAG1 (dystroglycan 1; plus strand). Cytogenetic location: 3p21.31.
Variant type: single nucleotide variant.
Coding change: c.2349T>C on transcript NM_004393.6 (MANE Select); coding-DNA position 2349, T replaced by C.
Protein change: p.Leu783=; no amino-acid change (leucine 783 retained).
Molecular consequence: synonymous variant.
Genome position (GRCh38, 1-based): chr3:49,532,860, T>C. VCF-style: chr3-49532860-T-C. GRCh37 (hg19) VCF-style: chr3-49570293-T-C.
Other names: c.2349T>C (NM_001165928.3); c.2349T>C, p.Leu783= (NM_001165928.4, NM_001177634.3, NM_001177635.3 and 9 more transcripts).
Identifiers: ClinVar variation 498059 (VCV000498059.14), dbSNP rs201280782, ClinGen allele CA2399250.

ClinVar aggregate classification (germline): Conflicting classifications of pathogenicity. Review status: criteria provided, conflicting classifications (1 of 4 stars). 3 submissions from 3 submitters: Uncertain significance (1); Likely benign (1). 1 of the submissions does not count toward it. Last evaluated 2025-09-15.

Conditions:
Muscular dystrophy-dystroglycanopathy (congenital with brain and eye anomalies), type A9. Also called: WALKER-WARBURG SYNDROME OR MUSCLE-EYE BRAIN DISEASE, DAG1-RELATED; Muscular dystrophy-dystroglycanopathy (congenital with brain and eye anomalies), type a, 9. Identifiers: Orphanet 370997, Orphanet 899, MedGen C4225291, MONDO:0014683, OMIM 616538.
Autosomal recessive limb-girdle muscular dystrophy type 2P. Also called: Limb-Girdle Muscular Dystrophy Type 9C; MUSCULAR DYSTROPHY, LIMB-GIRDLE, TYPE 2P; MUSCULAR DYSTROPHY-DYSTROGLYCANOPATHY, LIMB-GIRDLE, DAG1-RELATED. Identifiers: Orphanet 280333, MedGen C4511963, MONDO:0013440, OMIM 613818.
DAG1-related disorder. Also called: DAG1-related condition.

Allele frequency attached by ClinVar (database versions not stated): gnomAD exomes 0.00001; ExAC 0.00002; gnomAD 0.00009 and 0.00010; TOPMed 0.00014; 1000 Genomes Project 0.00040; 1000 Genomes Project 30x 0.00062.
gnomAD v4.1: 25 of 1,614,108 alleles (0.0015%); highest among the groups gnomAD compares: Admixed American, 0.035%; no homozygotes.

Submissions (3):

Labcorp Genetics (formerly Invitae), Labcorp
Classification: Likely benign for Autosomal recessive limb-girdle muscular dystrophy type 2P; Muscular dystrophy-dystroglycanopathy (congenital with brain and eye anomalies), type A9. Last evaluated: 2025-09-15. Review status: criteria provided, single submitter. Criteria: Invitae Variant Classification Sherloc (09022015). Collection method: clinical testing. Allele origin: germline.

Eurofins Ntd Llc (ga)
Classification: Uncertain significance. Last evaluated: 2016-11-10. Review status: criteria provided, single submitter. Criteria: EGL Classification Definitions 2015. Collection method: clinical testing. Allele origin: germline. Observed: 1 variant allele, 1 heterozygote.

PreventionGenetics, part of Exact Sciences
Classification: Likely benign for DAG1-related condition. Last evaluated: 2019-05-21. Review status: no assertion criteria provided. Collection method: clinical testing. Allele origin: germline. Not counted in ClinVar's aggregate classification.
Comment: This variant is classified as likely benign based on ACMG/AMP sequence variant interpretation guidelines (Richards et al. 2015 PMID: 25741868, with internal and published modifications).